The following is an entry in ClinVar:

NM_001903.5(CTNNA1):c.521G>A (p.Gly174Glu)

Gene: CTNNA1 (catenin alpha 1; plus strand). Cytogenetic location: 5q31.2.
Variant type: single nucleotide variant.
Coding change: c.521G>A on transcript NM_001903.5 (MANE Select); coding-DNA position 521, G replaced by A.
Protein change: p.Gly174Glu; replaces glycine 174 with glutamic acid.
Molecular consequence: missense variant.
Genome position (GRCh38, 1-based): chr5:138,812,235, G>A. VCF-style: chr5-138812235-G-A. GRCh37 (hg19) VCF-style: chr5-138147924-G-A.
Other names: c.521G>A, p.Gly174Glu (NM_001290307.3, NM_001323982.2, NM_001323983.1 and 3 more transcripts); c.212G>A, p.Gly71Glu (NM_001290309.3); c.152G>A, p.Gly51Glu (NM_001290310.3); short protein forms G174E, G51E, G71E.
Identifiers: ClinVar variation 659412 (VCV000659412.10), dbSNP rs1581119445, ClinGen allele CA361125243.

ClinVar aggregate classification (germline): Uncertain significance (1 of 4 stars; one submission).

Submission:

Labcorp Genetics (formerly Invitae), Labcorp
Classification: Uncertain significance. Last evaluated: 2022-10-01. Review status: criteria provided, single submitter. Criteria: Invitae Variant Classification Sherloc (09022015). Collection method: clinical testing. Allele origin: germline.
Comment: This sequence change replaces glycine, which is neutral and non-polar, with glutamic acid, which is acidic and polar, at codon 174 of the CTNNA1 protein (p.Gly174Glu). This variant is not present in population databases (gnomAD no frequency). This variant has not been reported in the literature in individuals affected with CTNNA1-related conditions. ClinVar contains an entry for this variant (Variation ID: 659412). Advanced modeling of protein sequence and biophysical properties (such as structural, functional, and spatial information, amino acid conservation, physicochemical variation, residue mobility, and thermodynamic stability) performed at Invitae indicates that this missense variant is not expected to disrupt CTNNA1 protein function. In summary, the available evidence is currently insufficient to determine the role of this variant in disease. Therefore, it has been classified as a Variant of Uncertain Significance.